The following is an entry in ClinVar:

ClinVar aggregate classification (germline): Pathogenic. Review status: criteria provided, multiple submitters, no conflicts (2 of 4 stars). 16 submissions from 16 submitters: Pathogenic (14). 2 of the submissions do not count toward it. Last evaluated 2025-10-06.

Conditions:
KCNQ1-related disorder. Also called: KCNQ1-related condition; KCNQ1-related disorders. Identifiers: MedGen CN239322.
Cardiovascular phenotype. Identifiers: MedGen CN230736.
Familial long QT syndrome (RWS). Also called: Congenital long QT syndrome; Romano-Ward syndrome; VENTRICULAR FIBRILLATION WITH PROLONGED QT INTERVAL. Identifiers: Orphanet 768, MedGen C1141890, MONDO:0019171.
Atrial fibrillation, familial, 3 (ATFB3). Identifiers: MedGen C1837014, MONDO:0011857, OMIM 607554.
Long QT syndrome 1 (LQT1). Identifiers: Orphanet 101016, Orphanet 768, MedGen C4551647, MONDO:0100316, OMIM 192500, MONDO:0008646.
Jervell and Lange-Nielsen syndrome 1 (JLNS1). Also called: CARDIOAUDITORY SYNDROME OF JERVELL AND LANGE-NIELSEN; DEAFNESS, CONGENITAL, AND FUNCTIONAL HEART DISEASE; PROLONGED QT INTERVAL IN EKG AND SUDDEN DEATH; SURDO-CARDIAC SYNDROME. Identifiers: Orphanet 768, Orphanet 90647, MedGen C4551509, MONDO:0024540, OMIM 220400.
Short QT syndrome type 2. Identifiers: Orphanet 51083, MedGen C1865019, MONDO:0012313, OMIM 609621.
Long QT syndrome (LQTS). Identifiers: MedGen C0023976, MeSH D008133, MONDO:0002442. Disease mechanism: loss of function. Inheritance: Various modes of inheritance.

Submissions 1 to 9 of 16:

3billion
Classification: Pathogenic for Jervell and Lange-Nielsen syndrome 1. Last evaluated: 2025-10-06. Review status: criteria provided, single submitter. Criteria: ACMG Guidelines, 2015. Collection method: clinical testing. Allele origin: germline. Affected: yes.
Comment: The variant is observed at an extremely low frequency in the gnomAD v4.1.0 dataset (total allele frequency: <0.001%). Predicted Consequence/Location: Frameshift: predicted to result in a loss or disruption of normal protein function through nonsense-mediated decay (NMD) or protein truncation. Multiple pathogenic variants are reported downstream of the variant. The variant has been reported at least twice as pathogenic with clinical assertions and evidence for the classification (ClinVar ID: VCV000052978 /PMID: 12702160). Therefore, this variant is classified as Pathogenic according to the recommendation of ACMG/AMP guideline.

Labcorp Genetics (formerly Invitae), Labcorp
Classification: Pathogenic for Long QT syndrome. Last evaluated: 2025-05-30. Review status: criteria provided, single submitter. Criteria: Invitae Variant Classification Sherloc (09022015). Collection method: clinical testing. Allele origin: germline.
Comment: This sequence change creates a premature translational stop signal (p.Glu449Argfs*14) in the KCNQ1 gene. It is expected to result in an absent or disrupted protein product. Loss-of-function variants in KCNQ1 are known to be pathogenic (PMID: 9323054, 19862833). This variant is present in population databases (rs397508088, gnomAD 0.003%). This premature translational stop signal has been observed in individual(s) with clinical features of long QT syndrome (PMID: 12702160, 24388587, 26669661). This variant is also known as c.1338insC. ClinVar contains an entry for this variant (Variation ID: 52978). For these reasons, this variant has been classified as Pathogenic.

Victorian Clinical Genetics Services, Murdoch Childrens Research Institute
Classification: Pathogenic for Long QT syndrome 1. Last evaluated: 2025-03-26. Review status: criteria provided, single submitter. Criteria: ACMG Guidelines, 2015. Collection method: clinical testing. Allele origin: germline. Affected: yes.
Comment: This variant is classified as Pathogenic. Evidence in support of pathogenic classification: Variant is predicted to cause nonsense-mediated decay (NMD) and loss of protein (premature termination codon is located at least 54 nucleotides upstream of the final exon-exon junction); Variant is present in gnomAD <0.01 (v4: 10 heterozygote(s), 0 homozygote(s)); This variant has strong previous evidence of pathogenicity in unrelated individuals. This variant has been classified as pathogenic by multiple clinical laboratories in ClinVar; Other NMD-predicted variant(s) comparable to the one identified in this case have very strong previous evidence for pathogenicity (DECIPHER). Additional information: This variant is heterozygous; This gene is known to be associated with both recessive and dominant disease. JLNS is characterised by congenital, bilateral deafness and variable degrees of QT prolongation, and is the only condition caused by biallelic variants (PMID: 28438721); Dominant negative, loss of function and gain of function are known mechanisms of disease in this gene. Gain of function variants result exclusively in short QT syndrome 2 (MIM#609621), while dominant negative and loss of function variants can cause long QT syndrome 1 (LQTS, MIM#192500), familial atrial fibrillation 3 (MIM#607554) as well as Jervell and Lange-Nielsen syndrome (JLNS, MIM#220400) (OMIM, PMIDs: 19632626, 28438721); The condition associated with this gene has incomplete penetrance (OMIM, PMID: 20301308); Inheritance information for this variant is not currently available in this individual.

PreventionGenetics, part of Exact Sciences
Classification: Pathogenic for KCNQ1-related condition. Last evaluated: 2024-12-04. Review status: criteria provided, single submitter. Criteria: ACMG Guidelines, 2015. Collection method: clinical testing. Allele origin: germline.
Comment: The KCNQ1 c.1343dupC variant is predicted to result in a frameshift and premature protein termination (p.Glu449Argfs*14). This variant was reported in the heterozygous state in individuals with Long QT syndrome (Chen et al. 2003. PubMed ID: 12702160; Mahdieh et al. 2020. PubMed ID: 32470535; Chang et al. 2013. PubMed ID: 24388587). This variant is reported in 0.0029% of alleles in individuals of Latino descent in gnomAD. Frameshift variants in KCNQ1 are expected to be pathogenic. This variant is interpreted as pathogenic.

GeneDx
Classification: Pathogenic. Last evaluated: 2024-08-12. Review status: criteria provided, single submitter. Criteria: GeneDx Variant Classification Process June 2021. Collection method: clinical testing. Allele origin: germline. Affected: yes.
Comment: Identified in patients with long QT syndrome (LQTS) (PMID: 12702160, 24388587, 15913580); Frameshift variant predicted to result in protein truncation or nonsense mediated decay in a gene for which loss-of-function is a known mechanism of disease; Not observed at significant frequency in large population cohorts (gnomAD); This variant is associated with the following publications: (PMID: 15913580, 26669661, 32470535, 24388587, 12702160, 28364778)

All of Us Research Program, National Institutes of Health
Classification: Pathogenic for Long QT syndrome. Last evaluated: 2024-02-08. Review status: criteria provided, single submitter. Criteria: ACMG Guidelines, 2015. Collection method: clinical testing. Allele origin: germline. Inheritance: Autosomal dominant inheritance. Observed: 1 variant allele, 1 heterozygote.
Comment: The c.1343dup (p.Glu449Argfs*14) variant is located in exon 10 of the KCNQ1 gene. This 1bp duplication is predicted to shift the reading frame such that it introduces a premature translation termination codon. It is expected to result in an absent or disrupted protein product. This variant has been reported in individuals with long QT syndrome in heterozygosity (PMID: 36102233, 32383558, 24388587, 15840476, 12702160), and in individuals with Jervell and Lange-Nielsen Syndrome in homozygosity or compound heterozygosity (PMID: 26669661, 28364778). Loss-of-function variants in KCNQ1 gene are known to be pathogenic (PMID: 9323054, 19862833). ClinVar contains an entry for this variant (ID: 52978). This variant is rare (1/250342 chromosomes) in the general population database (gnomAD). Based on the available evidence, this variant is classified as pathogenic.

This study involves interpretation of variants in research participants for the purpose of population health screening. Participant phenotype was not available at the time of variant classification. Additional details can be found in publication PMID: 35346344, PMCID: PMC8962531

Fulgent Genetics
Classification: Pathogenic for Long QT syndrome 1; Jervell and Lange-Nielsen syndrome 1; Atrial fibrillation, familial, 3; Short QT syndrome type 2. Last evaluated: 2024-01-30. Review status: criteria provided, single submitter. Criteria: ACMG Guidelines, 2015. Collection method: clinical testing. Allele origin: germline.

Human Genome Sequencing Center Clinical Lab, Baylor College of Medicine
Classification: Pathogenic for long QT syndrome. Last evaluated: 2023-09-28. Review status: criteria provided, single submitter. Criteria: ACMG Guidelines, 2015. Collection method: clinical testing. Allele origin: unknown.
Comment: The c.1343dup (p.Glu449Argfs*14) variant is located in exon 10 of the KCNQ1 gene. This 1bp duplication is predicted to shift the reading frame such that it introduces a premature translation termination codon. It is expected to result in an absent or disrupted protein product. This variant has been reported in individuals with long QT syndrome in heterozygosity (PMID: 36102233, 32383558, 24388587, 15840476, 12702160), and in individuals with Jervell and Lange-Nielsen Syndrome in homozygosity or compound heterozygosity (PMID: 26669661, 28364778). Loss-of-function variants in KCNQ1 gene are known to be pathogenic (PMID: 9323054, 19862833). ClinVar contains an entry for this variant (ID: 52978). This variant is rare (1/250342 chromosomes) in the general population database (gnomAD). Based on the available evidence, this variant is classified as pathogenic.

Molecular Genetics Laboratory - Cardiogenetics, CHU de Nantes
Classification: Pathogenic for Long QT syndrome 1. Last evaluated: 2023-08-01. Review status: criteria provided, single submitter. Criteria: ACMG Guidelines, 2015. Collection method: clinical testing. Allele origin: germline. Affected: yes.

NM_000218.3(KCNQ1):c.1343dup (p.Glu449fs)

Gene: KCNQ1 (potassium voltage-gated channel subfamily Q member 1; plus strand). Cytogenetic location: 11p15.5.
Variant type: Duplication.
Coding change: c.1343dup on transcript NM_000218.3 (MANE Select); coding-DNA position 1343, one base duplicated (C; older notation c.1343dupC).
Protein change: p.Glu449fs; shifts the reading frame from glutamic acid 449.
Molecular consequence: frameshift variant.
Genome position (GRCh38, 1-based): chr11:2,588,804, C duplicated; the last of 6 consecutive C bases (chr11:2,588,799-2,588,804); duplicating any one gives the same sequence. VCF-style (leftmost placement, unchanged base first): chr11-2588798-A-AC. GRCh37 (hg19) VCF-style: chr11-2610028-A-AC.
Other names: c.1343dupC (NM_000218.2); c.1247dup, p.Glu417Argfs (NM_001406836.1); c.1073dup, p.Glu359Argfs (NM_001406837.1); c.803dup, p.Glu269Argfs (NM_001406838.1); c.962dup, p.Glu322Argfs (NM_181798.2); short protein forms E449fs, E322fs.
Identifiers: ClinVar variation 52978 (VCV000052978.38), dbSNP rs397508087, ClinGen allele CA005612.
Genomic context (GRCh38, chr11:2,588,798, plus strand): 5'-ACAAAGACAATGGGGTGACTCCTGGAGAGAAGATGCTCACAGTCCCCCATATCACGTGCG[A>AC]CCCCCCAGAAGAGCGGCGGCTGGACCACTTCTCTGTCGACGGCTATGACAGTTCTGGTGA-3'